The following is an entry in ClinVar:

NM_000326.5(RLBP1):c.141+2T>C

Gene: RLBP1 (retinaldehyde binding protein 1; minus strand). Cytogenetic location: 15q26.1.
Variant type: single nucleotide variant.
Coding change: c.141+2T>C on transcript NM_000326.5 (MANE Select); the canonical splice donor site of the intron after coding-DNA position 141, T replaced by C.
Molecular consequence: splice donor variant.
Genome position (GRCh38, 1-based): chr15:89,218,563, A>G on the plus strand (T>C on the coding strand, the complement: RLBP1 is on the minus strand). VCF-style: chr15-89218563-A-G. GRCh37 (hg19) VCF-style: chr15-89761794-A-G.
Other names: IVS3, T-C, +2.
Identifiers: ClinVar variation 503712 (VCV000503712.22), dbSNP rs760650165, ClinGen allele CA7722386.

ClinVar aggregate classification (germline): Pathogenic/Likely pathogenic. Review status: criteria provided, multiple submitters, no conflicts (2 of 4 stars). 7 submissions from 7 submitters: Pathogenic (4); Likely pathogenic (2). 1 of the submissions does not count toward it. Last evaluated 2025-03-10.

Conditions:
RLBP1-related disorder. Also called: RLBP1-related condition; RLBP1-related disorders. Identifiers: MedGen CN239413.
Newfoundland cone-rod dystrophy. Identifiers: MedGen C1843815, MONDO:0011839, OMIM 607476.
Bothnia retinal dystrophy. Also called: VASTERBOTTEN DYSTROPHY. Identifiers: Orphanet 85128, MedGen C1843816, MONDO:0011838, OMIM 607475.
Pigmentary retinal dystrophy. Also called: Fundus albipunctatus. Identifiers: Orphanet 227796, Orphanet 52427, MedGen C0311338, MONDO:0007639, OMIM 136880, HP:0030642.

Allele frequency attached by ClinVar (database versions not stated): ExAC 0.00001; gnomAD 0.00001; gnomAD exomes 0.00001 and 0.00005; TOPMed 0.00001.

Submissions (7):

Labcorp Genetics (formerly Invitae), Labcorp
Classification: Pathogenic. Last evaluated: 2025-03-10. Review status: criteria provided, single submitter. Criteria: Invitae Variant Classification Sherloc (09022015). Collection method: clinical testing. Allele origin: germline.
Comment: This sequence change affects a donor splice site in intron 4 of the RLBP1 gene. It is expected to disrupt RNA splicing. Variants that disrupt the donor or acceptor splice site typically lead to a loss of protein function (PMID: 16199547), and loss-of-function variants in RLBP1 are known to be pathogenic (PMID: 2392416, 11301032, 21447491, 25429852). This variant is present in population databases (rs760650165, gnomAD 0.002%). Disruption of this splice site has been observed in individual(s) with retinitis punctata albescens (PMID: 10102299, 11868161). In at least one individual the data is consistent with being in trans (on the opposite chromosome) from a pathogenic variant. This variant is also known as IVS3+2 (GT to GC). ClinVar contains an entry for this variant (Variation ID: 503712). Algorithms developed to predict the effect of sequence changes on RNA splicing suggest that this variant may disrupt the consensus splice site. For these reasons, this variant has been classified as Pathogenic.

Fulgent Genetics
Classification: Likely pathogenic for Pigmentary retinal dystrophy; Bothnia retinal dystrophy; Newfoundland cone-rod dystrophy. Last evaluated: 2024-06-07. Review status: criteria provided, single submitter. Criteria: ACMG Guidelines, 2015. Collection method: clinical testing. Allele origin: germline.

Blueprint Genetics
Classification: Pathogenic for RLBP1-related disorders. Last evaluated: 2024-02-27. Review status: criteria provided, single submitter. Criteria: ACMG Guidelines, 2015. Collection method: clinical testing. Allele origin: germline. Affected: yes. Observed: 1 variant allele.

GeneDx
Classification: Likely pathogenic. Last evaluated: 2019-09-17. Review status: criteria provided, single submitter. Criteria: GeneDx Variant Classification Process June 2021. Collection method: clinical testing. Allele origin: germline. Affected: yes.
Comment: Canonical splice site variant predicted to result in an in-frame deletion of a critical region; Not observed at a significant frequency in large population cohorts (Lek et al., 2016); This variant is associated with the following publications: (PMID: 11868161, 10102299, 25525159)

ARUP Laboratories, Molecular Genetics and Genomics, ARUP Laboratories
Classification: Pathogenic. Last evaluated: 2019-09-04. Review status: criteria provided, single submitter. Criteria: ARUP Molecular Germline Variant Investigation Process. Collection method: clinical testing. Allele origin: germline.
Comment: The RLBP1 c.141+2T>C variant (rs760650165), also published as IVS3+2T>C, is reported in the medical literature in both the homozygous and compound heterozygous state in individuals with retinal dystrophy (Eichers 2002, Morimura 1999). The variant is reported in the ClinVar database (Variation ID: 503712) and is only found in 2 out of 251,384 alleles in the Genome Aggregation Database, indicating it is not a common polymorphism. This variant disrupts the canonical splice donor site, which is likely to negatively impact gene function. Considering available information, this variant is classified as pathogenic. References: Eichers ER et al. Newfoundland rod-cone dystrophy, an early-onset retinal dystrophy, is caused by splice-junction mutations in RLBP1. Am J Hum Genet. 2002 Apr;70(4):955-64. Morimura H et al. Recessive mutations in the RLBP1 gene encoding cellular retinaldehyde-binding protein in a form of retinitis punctata albescens. Invest Ophthalmol Vis Sci. 1999 Apr;40(5):1000-4.

Illumina Laboratory Services, Illumina
Classification: Pathogenic for RLBP1-Related Disorders. Last evaluated: 2018-10-23. Review status: criteria provided, single submitter. Criteria: ICSL Variant Classification Criteria 09 May 2019. Collection method: clinical testing. Allele origin: germline.
Comment: The RLBP1 c.141+2T>C variant occurs in a canonical splice site (donor) and is therefore predicted to disrupt or distort the normal gene product. The c.141+2T>C variant, also known as IVS+2T>C, has been reported in two studies and is found in a total of nine probands from four families, including one in a homozygous state and eight in a compound heterozygous state (Morimura et al. 1999; Eichers et al. 2002). Eight of these probands had Newfoundland rod-cone dystrophy, and one compound heterozygote had retinitis punctata albescens. The variant is also found in a heterozygous state in eight unaffected family members of these probands (Morimura et al. 1999; Eichers et al. 2002). There is segregation data in a three-generation family with Newfoundland rod-cone dystrophy showing that the affected family members are either homozygous or compound heterozygous for the variant (Eichers et al. 2002). The c.141+2T>C variant was absent from 106 control chromosomes (Morimura et al. 1999; Eichers et al. 2002) and is reported at a frequency of 0.000018 in the European (non-Finnish) population of the Genome Aggregation Database but this is based on two alleles in a region of good sequence coverage so the variant is presumed to be rare. Due to the potential impact of splice donor variants and the evidence in the literature, the c.141+2T>C variant is classified as pathogenic for RLBP1-related disorders. This variant was observed by ICSL as part of a predisposition screen in an ostensibly healthy population.

OMIM
Classification: Pathogenic for NEWFOUNDLAND ROD-CONE DYSTROPHY. Last evaluated: 2002-04-01. Review status: no assertion criteria provided. Collection method: literature only. Allele origin: germline. Not counted in ClinVar's aggregate classification.

Literature cited by the submitters: PubMed 16199547 (cited by Labcorp Genetics (formerly Invitae), Labcorp); PubMed 2392416 (cited by Labcorp Genetics (formerly Invitae), Labcorp); PubMed 11301032 (cited by Labcorp Genetics (formerly Invitae), Labcorp); PubMed 21447491 (cited by Labcorp Genetics (formerly Invitae), Labcorp); PubMed 25429852 (cited by Labcorp Genetics (formerly Invitae), Labcorp); PubMed 10102299 (cited by Labcorp Genetics (formerly Invitae), Labcorp and Illumina Laboratory Services, Illumina); PubMed 11868161 (cited by 3 submitters).